The following is an entry in ClinVar:

NM_005515.4(MNX1):c.1151C>G (p.Ser384Cys)

Gene: MNX1 (motor neuron and pancreas homeobox 1; minus strand). Cytogenetic location: 7q36.3.
Variant type: single nucleotide variant.
Coding change: c.1151C>G on transcript NM_005515.4 (MANE Select); coding-DNA position 1151, C replaced by G.
Protein change: p.Ser384Cys; replaces serine 384 with cysteine.
Molecular consequence: missense variant.
Genome position (GRCh38, 1-based): chr7:157,005,575, G>C on the plus strand (C>G on the coding strand, the complement: MNX1 is on the minus strand). VCF-style: chr7-157005575-G-C. GRCh37 (hg19) VCF-style: chr7-156798269-G-C.
Other names: c.515C>G, p.Ser172Cys (NM_001165255.2); short protein forms S172C, S384C.
Identifiers: ClinVar variation 3721598 (VCV003721598.2).
Genomic context (GRCh38, chr7:157,005,575, plus strand): 5'-GGCTCCTACTGGGGCGCGGGCTGGTGGCTGGGCCGCGGGGGCGGCGAGTCGTCCTCCGAG[G>C]AGCAGTCGGAGGAGGCGGCGTGGACGCTGGCGCCGTTGCTGTAGGGGAAATGGTCCTCGT-3'
Protein context (NP_005506.3, residues 374-394): ASVHAASSDC[Ser384Cys]SEDDSPPPRP

ClinVar aggregate classification (germline): Uncertain significance (1 of 4 stars; one submission).

Submission:

Labcorp Genetics (formerly Invitae), Labcorp
Classification: Uncertain significance. Last evaluated: 2024-09-26. Review status: criteria provided, single submitter. Criteria: Invitae Variant Classification Sherloc (09022015). Collection method: clinical testing. Allele origin: germline.
Comment: This sequence change replaces serine, which is neutral and polar, with cysteine, which is neutral and slightly polar, at codon 384 of the MNX1 protein (p.Ser384Cys). This variant is not present in population databases (gnomAD no frequency). This variant has not been reported in the literature in individuals affected with MNX1-related conditions. Experimental studies and prediction algorithms are not available or were not evaluated, and the functional significance of this variant is currently unknown. In summary, the available evidence is currently insufficient to determine the role of this variant in disease. Therefore, it has been classified as a Variant of Uncertain Significance.